The following is an entry in ClinVar:

NM_000548.5(TSC2):c.2390T>A (p.Ile797Asn)

Gene: TSC2 (TSC complex subunit 2; plus strand). Cytogenetic location: 16p13.3.
Variant type: single nucleotide variant.
Coding change: c.2390T>A on transcript NM_000548.5 (MANE Select); coding-DNA position 2390, T replaced by A.
Protein change: p.Ile797Asn; replaces isoleucine 797 with asparagine.
Molecular consequence: missense variant. On other transcripts: non-coding transcript variant (5).
Genome position (GRCh38, 1-based): chr16:2,074,234, T>A. VCF-style: chr16-2074234-T-A. GRCh37 (hg19) VCF-style: chr16-2124235-T-A.
Other names: c.2390T>A, p.Ile797Asn (NM_001077183.3, NM_001114382.3, NM_001363528.2 and 6 more transcripts); c.2279T>A, p.Ile760Asn (NM_001318827.2, NM_001406670.1, NM_001406678.1); c.2243T>A, p.Ile748Asn (NM_001318829.2, NM_001406675.1, NM_001406676.1 and 1 more transcripts); c.1790T>A, p.Ile597Asn (NM_001318831.2, NM_001406680.1, NM_001406682.1 and 6 more transcripts); c.2423T>A, p.Ile808Asn (NM_001318832.2); c.2480T>A, p.Ile827Asn (NM_001406667.1, NM_001406668.1); c.2378T>A, p.Ile793Asn (NM_001406671.1, NM_001406673.1); c.2333T>A, p.Ile778Asn (NM_001406677.1); and 3 more; short protein forms I748N, I760N, I349N, I597N, I778N, I808N, I827N, I263N.
Identifiers: ClinVar variation 2820937 (VCV002820937.3), dbSNP rs2088916279, ClinGen allele CA394277067.

ClinVar aggregate classification (germline): Uncertain significance (1 of 4 stars; one submission).

Conditions:
Tuberous sclerosis 2 (TSC2). Identifiers: Orphanet 805, MedGen C1860707, MONDO:0013199, OMIM 613254.

Submission:

Labcorp Genetics (formerly Invitae), Labcorp
Classification: Uncertain significance for Tuberous sclerosis 2. Last evaluated: 2022-12-15. Review status: criteria provided, single submitter. Criteria: Invitae Variant Classification Sherloc (09022015). Collection method: clinical testing. Allele origin: germline.
Comment: This variant has not been reported in the literature in individuals affected with TSC2-related conditions. In summary, the available evidence is currently insufficient to determine the role of this variant in disease. Therefore, it has been classified as a Variant of Uncertain Significance. Advanced modeling of protein sequence and biophysical properties (such as structural, functional, and spatial information, amino acid conservation, physicochemical variation, residue mobility, and thermodynamic stability) performed at Invitae indicates that this missense variant is not expected to disrupt TSC2 protein function. This variant is not present in population databases (gnomAD no frequency). This sequence change replaces isoleucine, which is neutral and non-polar, with asparagine, which is neutral and polar, at codon 797 of the TSC2 protein (p.Ile797Asn).